The following is an entry in ClinVar:

NM_005592.4(MUSK):c.1445C>G (p.Ser482Cys)

Gene: MUSK (muscle associated receptor tyrosine kinase; plus strand). Cytogenetic location: 9q31.3.
Variant type: single nucleotide variant.
Coding change: c.1445C>G on transcript NM_005592.4 (MANE Select); coding-DNA position 1445, C replaced by G.
Protein change: p.Ser482Cys; replaces serine 482 with cysteine.
Molecular consequence: missense variant.
Genome position (GRCh38, 1-based): chr9:110,784,875, C>G. VCF-style: chr9-110784875-C-G. GRCh37 (hg19) VCF-style: chr9-113547155-C-G.
Other names: c.1187C>G, p.Ser396Cys (NM_001166280.2); c.1157C>G, p.Ser386Cys (NM_001166281.2); c.185C>G, p.Ser62Cys (NM_001369398.1); short protein forms S386C, S396C, S482C, S62C.
Identifiers: ClinVar variation 2684265 (VCV002684265.1), dbSNP rs1320924092, ClinGen allele CA374474876.

ClinVar aggregate classification (germline): Uncertain significance (1 of 4 stars; one submission).

Allele frequency attached by ClinVar (database versions not stated): gnomAD 0.00001; TOPMed 0.00001.
gnomAD v4.1: 5 of 1,613,806 alleles (0.00031%); highest among the groups gnomAD compares: Non-Finnish European, 0.00042%; no homozygotes.

Submission:

Athena Diagnostics
Classification: Uncertain significance. Last evaluated: 2022-10-12. Review status: criteria provided, single submitter. Criteria: Athena Diagnostics Criteria. Collection method: clinical testing. Allele origin: unknown.
Comment: Available data are insufficient to determine the clinical significance of the variant at this time. The frequency of this variant in the general population is uninformative in assessment of its pathogenicity. Computational tools disagree on the variant's effect on normal protein function.